The following is an entry in ClinVar:

NM_015450.3(POT1):c.452T>A (p.Leu151Gln)

Gene: POT1 (protection of telomeres 1; minus strand). Cytogenetic location: 7q31.33.
Variant type: single nucleotide variant.
Coding change: c.452T>A on transcript NM_015450.3 (MANE Select); coding-DNA position 452, T replaced by A.
Protein change: p.Leu151Gln; replaces leucine 151 with glutamine.
Molecular consequence: missense variant. On other transcripts: non-coding transcript variant (3).
Genome position (GRCh38, 1-based): chr7:124,863,444, A>T on the plus strand (T>A on the coding strand, the complement: POT1 is on the minus strand). VCF-style: chr7-124863444-A-T. GRCh37 (hg19) VCF-style: chr7-124503498-A-T.
Other names: c.59T>A, p.Leu20Gln (NM_001042594.2); short protein forms L151Q, L20Q.
Identifiers: ClinVar variation 3936311 (VCV003936311.1).

ClinVar aggregate classification (germline): Uncertain significance (1 of 4 stars; one submission).

Conditions:
Hereditary cancer-predisposing syndrome. Also called: Tumor predisposition; Hereditary neoplastic syndrome; Hereditary Cancer Syndrome; Neoplastic Syndromes, Hereditary. Identifiers: Orphanet 140162, MedGen C0027672, MeSH D009386, MONDO:0015356.

Submission:

Ambry Genetics
Classification: Uncertain significance for Hereditary cancer-predisposing syndrome. Last evaluated: 2025-06-13. Review status: criteria provided, single submitter. Criteria: Ambry Variant Classification Scheme 2023. Collection method: clinical testing. Allele origin: germline.
Comment: The p.L151Q variant (also known as c.452T>A), located in coding exon 4 of the POT1 gene, results from a T to A substitution at nucleotide position 452. The leucine at codon 151 is replaced by glutamine, an amino acid with dissimilar properties. This amino acid position is conserved. In addition, this alteration is predicted to be tolerated by in silico analysis. Based on the available evidence, the clinical significance of this variant remains unclear.